The following is an entry in ClinVar:

ClinVar aggregate classification (germline): Uncertain significance (1 of 4 stars; one submission).

Submission:

GeneDx
Classification: Uncertain significance. Last evaluated: 2023-03-27. Review status: criteria provided, single submitter. Criteria: GeneDx Variant Classification Process June 2021. Collection method: clinical testing. Allele origin: germline. Affected: yes.
Comment: Not observed at significant frequency in large population cohorts (gnomAD); In silico analysis supports that this variant does not alter splicing; Has not been previously published as pathogenic or benign to our knowledge

NM_001379200.1(TBX1):c.366G>A (p.Gln122=)

Gene: TBX1 (T-box transcription factor 1; plus strand). Cytogenetic location: 22q11.21.
Variant type: single nucleotide variant.
Coding change: c.366G>A on transcript NM_001379200.1 (MANE Select); coding-DNA position 366, G replaced by A.
Protein change: p.Gln122=; no amino-acid change (glutamine 122 retained).
Molecular consequence: synonymous variant.
Genome position (GRCh38, 1-based): chr22:19,761,209, G>A. VCF-style: chr22-19761209-G-A. GRCh37 (hg19) VCF-style: chr22-19748732-G-A.
Other names: c.339G>A, p.Gln113= (NM_005992.1, NM_080646.2, NM_080647.1).
Identifiers: ClinVar variation 2581894 (VCV002581894.1), dbSNP rs2517842894, ClinGen allele CA513688405.